The following is an entry in ClinVar:

ClinVar aggregate classification (germline): Uncertain significance (1 of 4 stars; one submission).

gnomAD v4.1: 4 of 1,614,154 alleles (0.00025%); highest among the groups gnomAD compares: African/African-American, 0.0027%; no homozygotes.

Submission:

GeneDx
Classification: Uncertain significance. Last evaluated: 2025-03-06. Review status: criteria provided, single submitter. Criteria: GeneDx Variant Classification Process June 2021. Collection method: clinical testing. Allele origin: germline. Affected: yes.
Comment: Not observed at significant frequency in large population cohorts (gnomAD); In silico analysis supports that this missense variant has a deleterious effect on protein structure/function; Has not been previously published as pathogenic or benign to our knowledge

NM_002471.4(MYH6):c.5768G>A (p.Arg1923Gln)

Gene: MYH6 (myosin heavy chain 6; minus strand). Cytogenetic location: 14q11.2.
Variant type: single nucleotide variant.
Coding change: c.5768G>A on transcript NM_002471.4 (MANE Select); coding-DNA position 5768, G replaced by A.
Protein change: p.Arg1923Gln; replaces arginine 1923 with glutamine.
Molecular consequence: missense variant.
Genome position (GRCh38, 1-based): chr14:23,382,456, C>T on the plus strand (G>A on the coding strand, the complement: MYH6 is on the minus strand). VCF-style: chr14-23382456-C-T. GRCh37 (hg19) VCF-style: chr14-23851665-C-T.
Other names: short protein forms R1923Q.
Identifiers: ClinVar variation 4082796 (VCV004082796.1).